The following is an entry in ClinVar:

ClinVar aggregate classification (germline): Uncertain significance. Review status: criteria provided, multiple submitters, no conflicts (2 of 4 stars). 2 submissions from 2 submitters: Uncertain significance (2). Last evaluated 2025-09-22.

Conditions:
Developmental and epileptic encephalopathy, 51 (DEE51). Also called: Epileptic encephalopathy, early infantile, 51. Identifiers: MedGen C4479208, MONDO:0015025, OMIM 617339.

Allele frequency attached by ClinVar (database versions not stated): gnomAD 0.00001; ExAC 0.00002; gnomAD exomes 0.00002; TOPMed 0.00002; 1000 Genomes Project 30x 0.00016; 1000 Genomes Project 0.00020.

Submissions (2):

Labcorp Genetics (formerly Invitae), Labcorp
Classification: Uncertain significance. Last evaluated: 2025-09-22. Review status: criteria provided, single submitter. Criteria: Invitae Variant Classification Sherloc (09022015). Collection method: clinical testing. Allele origin: germline.
Comment: This sequence change falls in intron 5 of the MDH2 gene. It does not directly change the encoded amino acid sequence of the MDH2 protein. It affects a nucleotide within the consensus splice site. This variant is present in population databases (rs146056664, gnomAD 0.006%). This variant has not been reported in the literature in individuals affected with MDH2-related conditions. ClinVar contains an entry for this variant (Variation ID: 1446996). Variants that disrupt the consensus splice site are a relatively common cause of aberrant splicing (PMID: 17576681, 9536098). Algorithms developed to predict the effect of sequence changes on RNA splicing suggest that this variant is not likely to affect RNA splicing. In summary, the available evidence is currently insufficient to determine the role of this variant in disease. Therefore, it has been classified as a Variant of Uncertain Significance.

Department of Human Genetics, Hannover Medical School
Classification: Uncertain significance for Developmental and epileptic encephalopathy, 51. Last evaluated: 2025-02-07. Review status: criteria provided, single submitter. Criteria: ACMG Guidelines, 2015. Collection method: clinical testing. Allele origin: germline. Affected: yes.
Comment: ACMG: BP4, PM2_Supporting

Literature cited by the submitters: PubMed 17576681 (cited by Labcorp Genetics (formerly Invitae), Labcorp); PubMed 9536098 (cited by Labcorp Genetics (formerly Invitae), Labcorp).

NM_005918.4(MDH2):c.555+3A>G

Gene: MDH2 (malate dehydrogenase 2; plus strand). Cytogenetic location: 7q11.23.
Variant type: single nucleotide variant.
Coding change: c.555+3A>G on transcript NM_005918.4 (MANE Select); 3 bases into the intron after coding-DNA position 555, A replaced by G.
Molecular consequence: intron variant.
Genome position (GRCh38, 1-based): chr7:76,060,501, A>G. VCF-style: chr7-76060501-A-G. GRCh37 (hg19) VCF-style: chr7-75689819-A-G.
Other names: c.429+2423A>G (NM_001282403.2); c.234+3A>G (NM_001282404.2).
Identifiers: ClinVar variation 1446996 (VCV001446996.5), dbSNP rs146056664, ClinGen allele CA4305574.